The following is an entry in ClinVar:

ClinVar aggregate classification (germline): Pathogenic (1 of 4 stars; one submission).

Conditions:
Zellweger spectrum disorders (ZS). Also called: Zellweger Spectrum Disorder; Zellweger Spectrum; Zellweger Spectrum Disorder (ZSD); Zellweger syndrome. Identifiers: Orphanet 912, MedGen C0043459, MONDO:0019609.

Submission:

Labcorp Genetics (formerly Invitae), Labcorp
Classification: Pathogenic for Zellweger spectrum disorders. Last evaluated: 2023-11-27. Review status: criteria provided, single submitter. Criteria: Invitae Variant Classification Sherloc (09022015). Collection method: clinical testing. Allele origin: germline.
Comment: This sequence change creates a premature translational stop signal (p.Leu993Profs*3) in the PEX1 gene. It is expected to result in an absent or disrupted protein product. Loss-of-function variants in PEX1 are known to be pathogenic (PMID: 21031596, 26387595, 31831025). This variant is not present in population databases (gnomAD no frequency). This variant has not been reported in the literature in individuals affected with PEX1-related conditions. ClinVar contains an entry for this variant (Variation ID: 1415183). Algorithms developed to predict the effect of sequence changes on RNA splicing suggest that this variant may disrupt the consensus splice site. For these reasons, this variant has been classified as Pathogenic.

Literature cited by the submitters: PubMed 21031596; PubMed 26387595; PubMed 31831025.

NM_000466.3(PEX1):c.2977dup (p.Leu993fs)

Genes: GATAD1 (GATA zinc finger domain containing 1; plus strand), PEX1 (peroxisomal biogenesis factor 1; minus strand). Cytogenetic location: 7q21.2.
Variant type: Duplication.
Coding change: c.2977dup on transcript NM_000466.3 (MANE Select); coding-DNA position 2977, one base duplicated (C; older notation c.2977dupC).
Protein change: p.Leu993fs; shifts the reading frame from leucine 993.
Molecular consequence: frameshift variant.
Genome position (GRCh38, 1-based): chr7:92,494,346, G duplicated on the plus strand (C on the coding strand, the reverse complement: PEX1 is on the minus strand); the first of 3 consecutive G bases (chr7:92,494,346-92,494,348); duplicating any one gives the same sequence. VCF-style (leftmost placement, unchanged base first): chr7-92494345-A-AG. GRCh37 (hg19) VCF-style: chr7-92123659-A-AG.
Other names: c.2806dup, p.Leu936fs (NM_001282677.2); c.2353dup, p.Leu785fs (NM_001282678.2); short protein forms L936fs, L993fs, L785fs.
Identifiers: ClinVar variation 1415183 (VCV001415183.6), dbSNP rs2116091859, ClinGen allele CA2573142453.